The following is an entry in ClinVar:

ClinVar aggregate classification (germline): Uncertain significance. Review status: criteria provided, multiple submitters, no conflicts (2 of 4 stars). 2 submissions from 2 submitters: Uncertain significance (2). Last evaluated 2025-10-13.

Conditions:
Long QT syndrome (LQTS). Identifiers: MedGen C0023976, MeSH D008133, MONDO:0002442. Disease mechanism: loss of function. Inheritance: Various modes of inheritance.
Cardiovascular phenotype. Identifiers: MedGen CN230736.

gnomAD v4.1: 7 of 1,614,018 alleles (0.00043%); highest among the groups gnomAD compares: Non-Finnish European, 0.00059%; no homozygotes.

Submissions (2):

Labcorp Genetics (formerly Invitae), Labcorp
Classification: Uncertain significance for Long QT syndrome. Last evaluated: 2025-10-13. Review status: criteria provided, single submitter. Criteria: Invitae Variant Classification Sherloc (09022015). Collection method: clinical testing. Allele origin: germline.
Comment: This sequence change replaces proline, which is neutral and non-polar, with histidine, which is basic and polar, at codon 1968 of the CACNA1C protein (p.Pro1968His). This variant is not present in population databases (gnomAD no frequency). This variant has not been reported in the literature in individuals affected with CACNA1C-related conditions. ClinVar contains an entry for this variant (Variation ID: 1475727). Invitae Evidence Modeling of protein sequence and biophysical properties (such as structural, functional, and spatial information, amino acid conservation, physicochemical variation, residue mobility, and thermodynamic stability) indicates that this missense variant is not expected to disrupt CACNA1C protein function with a negative predictive value of 95%. In summary, the available evidence is currently insufficient to determine the role of this variant in disease. Therefore, it has been classified as a Variant of Uncertain Significance.

Ambry Genetics
Classification: Uncertain significance for Cardiovascular phenotype. Last evaluated: 2021-11-08. Review status: criteria provided, single submitter. Criteria: Ambry Variant Classification Scheme 2023. Collection method: clinical testing. Allele origin: germline.
Comment: The p.P1968H variant (also known as c.5903C>A), located in coding exon 46 of the CACNA1C gene, results from a C to A substitution at nucleotide position 5903. The proline at codon 1968 is replaced by histidine, an amino acid with similar properties. This amino acid position is not well conserved in available vertebrate species. In addition, this alteration is predicted to be tolerated by in silico analysis. Since supporting evidence is limited at this time, the clinical significance of this alteration remains unclear.

NM_000719.7(CACNA1C):c.5903C>A (p.Pro1968His)

Genes: CACNA1C (calcium voltage-gated channel subunit alpha1 C; plus strand), CACNA1C-AS1 (CACNA1C antisense RNA 1; minus strand). Cytogenetic location: 12p13.33.
Variant type: single nucleotide variant.
Coding change: c.5903C>A on transcript NM_000719.7 (MANE Select); coding-DNA position 5903, C replaced by A.
Protein change: p.Pro1968His; replaces proline 1968 with histidine.
Molecular consequence: missense variant.
Genome position (GRCh38, 1-based): chr12:2,688,565, C>A. VCF-style: chr12-2688565-C-A. GRCh37 (hg19) VCF-style: chr12-2797731-C-A.
Other names: c.6047C>A, p.Pro2016His (NM_001129827.2); c.6026C>A, p.Pro2009His (NM_001129829.2); c.6008C>A, p.Pro2003His (NM_001129830.3, NM_001167624.3); c.5987C>A, p.Pro1996His (NM_001129831.2); c.5963C>A, p.Pro1988His (NM_001129832.2); c.5960C>A, p.Pro1987His (NM_001129833.2, NM_001129834.2, NM_001129835.2); c.5954C>A, p.Pro1985His (NM_001129836.2); c.5927C>A, p.Pro1976His (NM_001129837.2, NM_001129838.2); and 6 more; short protein forms P1974H, P1987H, P2028H, P1957H, P1976H, P1985H, P1988H, P1996H.
Identifiers: ClinVar variation 1475727 (VCV001475727.10), dbSNP rs2153865329, ClinGen allele CA383384413.